The following is an entry in ClinVar:

ClinVar aggregate classification (germline): Uncertain significance. Review status: criteria provided, multiple submitters, no conflicts (2 of 4 stars). 2 submissions from 2 submitters: Uncertain significance (2). Last evaluated 2026-07-08.

Conditions:
Inborn genetic diseases. Identifiers: MedGen C0950123, MeSH D030342.

Allele frequency attached by ClinVar (database versions not stated): gnomAD exomes 0.00001; ExAC 0.00004; ESP Exome Variant Server 0.00015.
gnomAD v4.1: 20 of 1,613,756 alleles (0.0012%); highest among the groups gnomAD compares: African/African-American, 0.011%; no homozygotes.

Submissions (2):

Ambry Genetics
Classification: Uncertain significance for Inborn genetic diseases. Last evaluated: 2026-07-08. Review status: criteria provided, single submitter. Criteria: Ambry Variant Classification Scheme 2023. Collection method: clinical testing. Allele origin: germline.

Women's Health and Genetics/Laboratory Corporation of America, LabCorp
Classification: Uncertain significance. Last evaluated: 2025-06-26. Review status: criteria provided, single submitter. Criteria: LabCorp Variant Classification Summary - May 2015. Collection method: clinical testing. Allele origin: germline.
Comment: Variant summary: PROP1 c.80C>T (p.Pro27Leu) results in a non-conservative amino acid change in the encoded protein sequence. Algorithms developed to predict the effect of missense changes on protein structure and function are either unavailable or do not agree on the potential impact of this missense change. The variant allele was found at a frequency of 2e-05 in 251276 control chromosomes (gnomAD). The available data on variant occurrences in the general population are insufficient to allow any conclusion about variant significance. To our knowledge, no occurrence of c.80C>T in individuals affected with &phenotype& and no experimental evidence demonstrating its impact on protein function have been reported. ClinVar contains an entry for this variant (Variation ID: 3219056). Based on the evidence outlined above, the variant was classified as uncertain significance.

NM_006261.5(PROP1):c.80C>T (p.Pro27Leu)

Gene: PROP1 (PROP paired-like homeobox 1; minus strand). Cytogenetic location: 5q35.3.
Variant type: single nucleotide variant.
Coding change: c.80C>T on transcript NM_006261.5 (MANE Select); coding-DNA position 80, C replaced by T.
Protein change: p.Pro27Leu; replaces proline 27 with leucine.
Molecular consequence: missense variant.
Genome position (GRCh38, 1-based): chr5:177,995,854, G>A on the plus strand (C>T on the coding strand, the complement: PROP1 is on the minus strand). VCF-style: chr5-177995854-G-A. GRCh37 (hg19) VCF-style: chr5-177422855-G-A.
Other names: short protein forms P27L.
Identifiers: ClinVar variation 3219056 (VCV003219056.3), dbSNP rs368561632, ClinGen allele CA3587647.
Genomic context (GRCh38, chr5:177,995,854, plus strand): 5'-GGGACCCACGCACACCGGGACGGTCACTCACCCACCGTGGTGGTCGGGGTCCCAGTGGCC[G>A]GGTGTCTCTCAGGCAACAGGTTGCTGCCGACTCGCCCCTTCTTTGGCTTCTCAGCCTGGC-3'
Protein context (NP_006252.4, residues 17-37): VGSNLLPERH[Pro27Leu]ATGTPTTTVD